The following is an entry in ClinVar:

NM_000059.4(BRCA2):c.6817A>G (p.Arg2273Gly)

Gene: BRCA2 (BRCA2 DNA repair associated; plus strand). Cytogenetic location: 13q13.1.
Variant type: single nucleotide variant.
Coding change: c.6817A>G on transcript NM_000059.4 (MANE Select); coding-DNA position 6817, A replaced by G.
Protein change: p.Arg2273Gly; replaces arginine 2273 with glycine.
Molecular consequence: missense variant.
Genome position (GRCh38, 1-based): chr13:32,341,172, A>G. VCF-style: chr13-32341172-A-G. GRCh37 (hg19) VCF-style: chr13-32915309-A-G.
Other names: short protein forms R2273G.
Identifiers: ClinVar variation 619646 (VCV000619646.12), dbSNP rs1566235443, ClinGen allele CA387791420.

ClinVar aggregate classification (germline): Conflicting classifications of pathogenicity. Review status: criteria provided, conflicting classifications (1 of 4 stars). 6 submissions from 6 submitters: Uncertain significance (5); Likely benign (1). Last evaluated 2025-11-20.

Conditions:
Hereditary breast ovarian cancer syndrome. Also called: Hereditary breast and ovarian cancer; Hereditary breast and ovarian cancer syndrome (HBOC); Breast and ovarian cancer; BRCA1- and BRCA2-Associated Hereditary Breast and Ovarian Cancer; Hereditary breast and/or ovarian cancer syndrome; Hereditary breast and ovarian cancer syndrome. Identifiers: Orphanet 145, MedGen C0677776, MeSH D061325, MONDO:0003582. Disease mechanism: loss of function.
Hereditary cancer-predisposing syndrome. Also called: Neoplastic Syndromes, Hereditary; Hereditary neoplastic syndrome; Tumor predisposition; Hereditary Cancer Syndrome. Identifiers: Orphanet 140162, MedGen C0027672, MeSH D009386, MONDO:0015356.

Allele frequency attached by ClinVar (database versions not stated): TOPMed below 0.00001.

Submissions (6):

Women's Health and Genetics/Laboratory Corporation of America, LabCorp
Classification: Uncertain significance. Last evaluated: 2025-11-20. Review status: criteria provided, single submitter. Criteria: LabCorp Variant Classification Summary - May 2015. Collection method: clinical testing. Allele origin: germline.
Comment: Variant summary: BRCA2 c.6817A>G (p.Arg2273Gly) results in a non-conservative amino acid change in the encoded protein sequence. Algorithms developed to predict the effect of missense changes on protein structure and function are either unavailable or do not agree on the potential impact of this missense change. The variant was absent in 250320 control chromosomes (gnomAD). The available data on variant occurrences in the general population are insufficient to allow any conclusion about variant significance. c.6817A>G has been observed in an individual affected with colorectal cancer (Pearlman_2017). This report does not provide unequivocal conclusions about association of the variant with Hereditary Breast And Ovarian Cancer Syndrome. To our knowledge, no experimental evidence demonstrating an impact on protein function has been reported. The following publication has been ascertained in the context of this evaluation (PMID: 27978560). ClinVar contains an entry for this variant (Variation ID: 619646). Based on the evidence outlined above, the variant was classified as uncertain significance.

Color Diagnostics, LLC DBA Color Health
Classification: Uncertain significance for Hereditary cancer-predisposing syndrome. Last evaluated: 2024-08-07. Review status: criteria provided, single submitter. Criteria: ACMG Guidelines, 2015. Collection method: clinical testing. Allele origin: germline.
Comment: This missense variant replaces arginine with glycine at codon 2273 of the BRCA2 protein. Computational prediction suggests that this variant may not impact protein structure and function. To our knowledge, functional studies have not been reported for this variant. This variant has been detected in a breast cancer case-control meta-analysis in 0/60466 cases and 1/53461 unaffected individuals (PMID: 33471991Leiden Open Variation Database DB-ID BRCA2_008516). This variant has not been identified in the general population by the Genome Aggregation Database (gnomAD). The available evidence is insufficient to determine the role of this variant in disease conclusively. Therefore, this variant is classified as a Variant of Uncertain Significance.

Labcorp Genetics (formerly Invitae), Labcorp
Classification: Uncertain significance for Hereditary breast ovarian cancer syndrome. Last evaluated: 2024-07-24. Review status: criteria provided, single submitter. Criteria: Invitae Variant Classification Sherloc (09022015). Collection method: clinical testing. Allele origin: germline.
Comment: This sequence change replaces arginine, which is basic and polar, with glycine, which is neutral and non-polar, at codon 2273 of the BRCA2 protein (p.Arg2273Gly). This variant is not present in population databases (gnomAD no frequency). This missense change has been observed in individual(s) with colon cancer (PMID: 27978560). ClinVar contains an entry for this variant (Variation ID: 619646). Advanced modeling of protein sequence and biophysical properties (such as structural, functional, and spatial information, amino acid conservation, physicochemical variation, residue mobility, and thermodynamic stability) performed at Invitae indicates that this missense variant is not expected to disrupt BRCA2 protein function with a negative predictive value of 95%. In summary, the available evidence is currently insufficient to determine the role of this variant in disease. Therefore, it has been classified as a Variant of Uncertain Significance.

Ambry Genetics
Classification: Uncertain significance for Hereditary cancer-predisposing syndrome. Last evaluated: 2023-09-28. Review status: criteria provided, single submitter. Criteria: Ambry Variant Classification Scheme 2023. Collection method: clinical testing. Allele origin: germline.
Comment: The p.R2273G variant (also known as c.6817A>G), located in coding exon 10 of the BRCA2 gene, results from an A to G substitution at nucleotide position 6817. The arginine at codon 2273 is replaced by glycine, an amino acid with dissimilar properties. This alteration has been previously identified in an individual from a North American cohort of individuals with early onset colon cancer. (Pearlman R et al. JAMA Oncol, 2017 Apr;3:464-471). This amino acid position is well conserved in available vertebrate species. In addition, the in silico prediction for this alteration is inconclusive. Since supporting evidence is limited at this time, the clinical significance of this alteration remains unclear.

University of Washington Department of Laboratory Medicine, University of Washington
Classification: Likely benign for Hereditary cancer-predisposing syndrome. Last evaluated: 2023-03-23. Review status: criteria provided, single submitter. Criteria: Dines et al. (Genet Med. 2020). Collection method: curation. Allele origin: germline.
Comment: Missense variant in a coldspot region where missense variants are very unlikely to be pathogenic (PMID:31911673).

BRCA2 exon 11 coldspot. Reclassification based on statistical prior probability.

Quest Diagnostics Nichols Institute San Juan Capistrano
Classification: Uncertain significance. Last evaluated: 2017-09-28. Review status: criteria provided, single submitter. Criteria: Quest Diagnostics criteria. Collection method: clinical testing. Allele origin: germline.

Literature cited by the submitters: PubMed 27978560 (cited by 3 submitters); PubMed 33471991 (cited by Color Diagnostics, LLC DBA Color Health).